The following is an entry in ClinVar:

ClinVar aggregate classification (germline): Pathogenic. Review status: criteria provided, multiple submitters, no conflicts (2 of 4 stars). 2 submissions from 2 submitters: Pathogenic (2). Last evaluated 2023-11-15.

Conditions:
USH2A-related disorder. Also called: USH2A-related condition; USH2A-related disorders. Identifiers: MedGen CN239332.

Submissions (2):

Labcorp Genetics (formerly Invitae), Labcorp
Classification: Pathogenic. Last evaluated: 2023-11-15. Review status: criteria provided, single submitter. Criteria: Invitae Variant Classification Sherloc (09022015). Collection method: clinical testing. Allele origin: germline.
Comment: This sequence change creates a premature translational stop signal (p.Leu1373Profs*16) in the USH2A gene. It is expected to result in an absent or disrupted protein product. Loss-of-function variants in USH2A are known to be pathogenic (PMID: 10729113, 10909849, 20507924, 25649381). This variant is not present in population databases (gnomAD no frequency). This variant has not been reported in the literature in individuals affected with USH2A-related conditions. For these reasons, this variant has been classified as Pathogenic.

Myriad Genetics, Inc.
Classification: Pathogenic for USH2A-related disorder. Last evaluated: 2023-09-27. Review status: criteria provided, single submitter. Criteria: Myriad Autosomal Dominant, Autosomal Recessive and X-Linked Classification Criteria (2023). Collection method: clinical testing. Allele origin: unknown.
Comment: NM_206933.2(USH2A):c.4117dupC(L1373Pfs*16) is expected to be pathogenic in the context of USH2A-related disorders. This variant is predicted to lead to an abnormal or absent protein product due to the creation of a premature termination codon in USH2A, a gene where loss-of-function variants are known to be pathogenic. Please note: this variant was assessed in the context of healthy population screening.

Literature cited by the submitters: PubMed 10729113 (cited by Labcorp Genetics (formerly Invitae), Labcorp); PubMed 10909849 (cited by Labcorp Genetics (formerly Invitae), Labcorp); PubMed 20507924 (cited by Labcorp Genetics (formerly Invitae), Labcorp); PubMed 25649381 (cited by Labcorp Genetics (formerly Invitae), Labcorp).

NM_206933.4(USH2A):c.4117dup (p.Leu1373fs)

Genes: USH2A (usherin; minus strand), USH2A-AS1 (USH2A antisense RNA 1; plus strand). Cytogenetic location: 1q41.
Variant type: Duplication.
Coding change: c.4117dup on transcript NM_206933.4 (MANE Select); coding-DNA position 4117, one base duplicated (C; older notation c.4117dupC).
Protein change: p.Leu1373fs; shifts the reading frame from leucine 1373.
Molecular consequence: frameshift variant.
Genome position (GRCh38, 1-based): chr1:216,196,687, G duplicated on the plus strand (C on the coding strand, the reverse complement: USH2A is on the minus strand); the first of 4 consecutive G bases (chr1:216,196,687-216,196,690); duplicating any one gives the same sequence. VCF-style (leftmost placement, unchanged base first): chr1-216196686-A-AG. GRCh37 (hg19) VCF-style: chr1-216370028-A-AG.
Other names: c.4117dup, p.Leu1373fs (NM_007123.6); short protein forms L1373fs.
Identifiers: ClinVar variation 2760012 (VCV002760012.4), dbSNP rs2528035944, ClinGen allele CA2697554942.
Genomic context (GRCh38, chr1:216,196,686, plus strand): 5'-TTTCCTCTTGTAACATTATCTGCTGGCTTCTCCCAGGAGATATTGAGAGAGTACGAAGAG[A>AG]GGGGAAAGACTGAAGGAGGGATCATGAATACAGGTGCTATCAATGAGAACAATAACAATA-3'